The following is an entry in ClinVar:

NM_005560.6(LAMA5):c.6860G>A (p.Arg2287His)

Gene: LAMA5 (laminin subunit alpha 5; minus strand). Cytogenetic location: 20q13.33.
Variant type: single nucleotide variant.
Coding change: c.6860G>A on transcript NM_005560.6 (MANE Select); coding-DNA position 6860, G replaced by A.
Protein change: p.Arg2287His; replaces arginine 2287 with histidine.
Molecular consequence: missense variant.
Genome position (GRCh38, 1-based): chr20:62,319,695, C>T on the plus strand (G>A on the coding strand, the complement: LAMA5 is on the minus strand). VCF-style: chr20-62319695-C-T. GRCh37 (hg19) VCF-style: chr20-60894751-C-T.
Other names: short protein forms R2287H.
Identifiers: ClinVar variation 2652483 (VCV002652483.25), dbSNP rs375978861, ClinGen allele CA317246249.

ClinVar aggregate classification (germline): Conflicting classifications of pathogenicity. Review status: criteria provided, conflicting classifications (1 of 4 stars). 2 submissions from 2 submitters: Uncertain significance (1); Likely benign (1). Last evaluated 2025-12-20.

Allele frequency attached by ClinVar (database versions not stated): TOPMed 0.00007; ESP Exome Variant Server 0.00016.
gnomAD v4.1: 57 of 1,541,838 alleles (0.0037%); highest among the groups gnomAD compares: Admixed American, 0.049%; no homozygotes.

Submissions (2):

Labcorp Genetics (formerly Invitae), Labcorp
Classification: Uncertain significance. Last evaluated: 2025-12-20. Review status: criteria provided, single submitter. Criteria: Invitae Variant Classification Sherloc (09022015). Collection method: clinical testing. Allele origin: germline.
Comment: This sequence change replaces arginine, which is basic and polar, with histidine, which is basic and polar, at codon 2287 of the LAMA5 protein (p.Arg2287His). The frequency data for this variant in the population databases is considered unreliable, as metrics indicate poor data quality at this position in the gnomAD database. This variant has not been reported in the literature in individuals affected with LAMA5-related conditions. ClinVar contains an entry for this variant (Variation ID: 2652483). Invitae Evidence Modeling of protein sequence and biophysical properties (such as structural, functional, and spatial information, amino acid conservation, physicochemical variation, residue mobility, and thermodynamic stability) indicates that this missense variant is not expected to disrupt LAMA5 protein function with a negative predictive value of 80%. In summary, the available evidence is currently insufficient to determine the role of this variant in disease. Therefore, it has been classified as a Variant of Uncertain Significance.

CeGaT Center for Human Genetics Tuebingen
Classification: Likely benign. Last evaluated: 2022-06-01. Review status: criteria provided, single submitter. Criteria: CeGaT Center For Human Genetics Tuebingen Variant Classification Criteria Version 2. Collection method: clinical testing. Allele origin: germline. Affected: yes. Observed: 1 variant allele.
Comment: LAMA5: BP4